The following is an entry in ClinVar:

NM_020937.4(FANCM):c.3658A>T (p.Ile1220Phe)

Gene: FANCM (FA complementation group M; plus strand). Cytogenetic location: 14q21.2.
Variant type: single nucleotide variant.
Coding change: c.3658A>T on transcript NM_020937.4 (MANE Select); coding-DNA position 3658, A replaced by T.
Protein change: p.Ile1220Phe; replaces isoleucine 1220 with phenylalanine.
Molecular consequence: missense variant.
Genome position (GRCh38, 1-based): chr14:45,176,412, A>T. VCF-style: chr14-45176412-A-T. GRCh37 (hg19) VCF-style: chr14-45645615-A-T.
Other names: c.3580A>T, p.Ile1194Phe (NM_001308133.2); c.3658A>T (NM_020937.3, LRG_502t1); short protein forms I1194F, I1220F.
Identifiers: ClinVar variation 656759 (VCV000656759.14), dbSNP rs201839320, ClinGen allele CA7169549.
Genomic context (GRCh38, chr14:45,176,412, plus strand): 5'-AGTTTTAAATCTCGTGATCAGAGAGGTGTACAGGAAGAAAAAGTGAAGAATCATGAGGAT[A>T]TTTTTGATTGCTCTAGGGATTTATTTTCTGTTACCTTTGATTTAGGATTCTGTAGTCCAG-3'
Protein context (NP_065988.1, residues 1210-1230): QEEKVKNHED[Ile1220Phe]FDCSRDLFSV

ClinVar aggregate classification (germline): Uncertain significance. Review status: criteria provided, multiple submitters, no conflicts (2 of 4 stars). 5 submissions from 5 submitters: Uncertain significance (4). 1 of the submissions does not count toward it. Last evaluated 2025-12-01.

Conditions:
FANCM-related disorder. Also called: FANCM-related condition.
Fanconi anemia (FA). Also called: Fanconi's anemia. Identifiers: Orphanet 84, MedGen C0015625, MeSH D005199, MONDO:0019391.
Spermatogenic failure 28. Identifiers: MedGen C4748117, MONDO:0054732, OMIM 618086.
Premature ovarian failure 15. Identifiers: MedGen C4748170, MONDO:0054862, OMIM 618096.

Allele frequency attached by ClinVar (database versions not stated): gnomAD 0.00001 and 0.00002; ExAC 0.00002; gnomAD exomes 0.00003; TOPMed 0.00006; 1000 Genomes Project 30x 0.00016; 1000 Genomes Project 0.00020.

Submissions (5):

Labcorp Genetics (formerly Invitae), Labcorp
Classification: Uncertain significance for Fanconi anemia. Last evaluated: 2025-12-01. Review status: criteria provided, single submitter. Criteria: Invitae Variant Classification Sherloc (09022015). Collection method: clinical testing. Allele origin: germline.
Comment: This sequence change replaces isoleucine, which is neutral and non-polar, with phenylalanine, which is neutral and non-polar, at codon 1220 of the FANCM protein (p.Ile1220Phe). This variant is present in population databases (rs201839320, gnomAD 0.007%). This variant has not been reported in the literature in individuals affected with FANCM-related conditions. ClinVar contains an entry for this variant (Variation ID: 656759). An algorithm developed to predict the effect of missense changes on protein structure and function (PolyPhen-2) suggests that this variant is likely to be tolerated. In summary, the available evidence is currently insufficient to determine the role of this variant in disease. Therefore, it has been classified as a Variant of Uncertain Significance.

Quest Diagnostics Nichols Institute San Juan Capistrano
Classification: Uncertain significance. Last evaluated: 2025-05-15. Review status: criteria provided, single submitter. Criteria: Quest Diagnostics criteria. Collection method: clinical testing. Allele origin: unknown.
Comment: The FANCM c.3658A>T (p.Ile1220Phe) variant has been reported in the published literature in individuals with breast cancer (PMID: 36707629 (2023), 33471991 (2021), see also LOVD), and in reportedly unaffected individuals (PMID: 36707629 (2023), 28881617 (2017), 33471991 (2021), see also LOVD). The frequency of this variant in the general population (Genome Aggregation Database) is uninformative in the assessment of its pathogenicity. Analysis of this variant using bioinformatics tools for the prediction of the effect of amino acid changes on protein structure and function yielded predictions that this variant is benign. Based on the available information, we are unable to determine the clinical significance of this variant.

Fulgent Genetics
Classification: Uncertain significance for Spermatogenic failure 28; Premature ovarian failure 15. Last evaluated: 2024-06-04. Review status: criteria provided, single submitter. Criteria: ACMG Guidelines, 2015. Collection method: clinical testing. Allele origin: germline.

GeneDx
Classification: Uncertain significance. Last evaluated: 2021-11-02. Review status: criteria provided, single submitter. Criteria: GeneDx Variant Classification Process June 2021. Collection method: clinical testing. Allele origin: germline. Affected: yes.
Comment: Not observed at significant frequency in large population cohorts (gnomAD); In silico analysis supports that this missense variant does not alter protein structure/function; Has not been previously published as pathogenic or benign to our knowledge

PreventionGenetics, part of Exact Sciences
Classification: Uncertain significance for FANCM-related condition. Last evaluated: 2024-03-20. Review status: no assertion criteria provided. Collection method: clinical testing. Allele origin: germline. Not counted in ClinVar's aggregate classification.
Comment: The FANCM c.3658A>T variant is predicted to result in the amino acid substitution p.Ile1220Phe. To our knowledge, this variant has not been reported in the literature. This variant is reported in 0.0070% of alleles in individuals of European (Non-Finnish) descent in gnomAD. At this time, the clinical significance of this variant is uncertain due to the absence of conclusive functional and genetic evidence.

Literature cited by the submitters: PubMed 36707629 (cited by Quest Diagnostics Nichols Institute San Juan Capistrano); PubMed 28881617 (cited by Quest Diagnostics Nichols Institute San Juan Capistrano).